The following is an entry in ClinVar:

ClinVar aggregate classification (germline): Benign (1 of 4 stars; one submission).

Conditions:
CBL-related disorder. Also called: NOONAN SYNDROME-LIKE DISORDER WITHOUT JUVENILE MYELOMONOCYTIC LEUKEMIA; CBL MUTATION-ASSOCIATED SYNDROME; CBL SYNDROME. Identifiers: Orphanet 363972, MedGen C3150803, MONDO:0013308, OMIM 613563.

Allele frequency attached by ClinVar (database versions not stated): gnomAD exomes 0.00331; gnomAD 0.00896 and 0.00905; TOPMed 0.01009; 1000 Genomes Project 30x 0.01280; 1000 Genomes Project 0.01298.
gnomAD v4.1: 1,636 of 233,706 alleles (0.7%); highest among the groups gnomAD compares: African/African-American, 2.6%; 21 homozygotes.

Submission:

Illumina Laboratory Services, Illumina
Classification: Benign for CBL-related disorder. Last evaluated: 2018-01-13. Review status: criteria provided, single submitter. Criteria: ICSL Variant Classification Criteria 13 December 2019. Collection method: clinical testing. Allele origin: germline.
Comment: This variant was observed in the ICSL laboratory as part of a predisposition screen in an ostensibly healthy population. It had not been previously curated by ICSL or reported in the Human Gene Mutation Database (HGMD: prior to June 1st, 2018), and was therefore a candidate for classification through an automated scoring system. Utilizing variant allele frequency, disease prevalence and penetrance estimates, and inheritance mode, an automated score was calculated to assess if this variant is too frequent to cause the disease. Based on the score and internal cut-off values, a variant classified as benign is not then subjected to further curation. The score for this variant resulted in a classification of benign for this disease.

NM_005188.4(CBL):c.*3854G>A

Gene: CBL (Cbl proto-oncogene; plus strand). Cytogenetic location: 11q23.3.
Variant type: single nucleotide variant.
Coding change: c.*3854G>A on transcript NM_005188.4 (MANE Select); 3854 bases downstream of the stop codon, G replaced by A.
Molecular consequence: 3 prime UTR variant.
Genome position (GRCh38, 1-based): chr11:119,303,635, G>A. VCF-style: chr11-119303635-G-A. GRCh37 (hg19) VCF-style: chr11-119174345-G-A.
Identifiers: ClinVar variation 302840 (VCV000302840.5), dbSNP rs115544781, ClinGen allele CA10633676.